The following is an entry in ClinVar:

NM_000169.3(GLA):c.639G>T (p.Lys213Asn)

Genes: GLA (galactosidase alpha; minus strand), RPL36A-HNRNPH2 (RPL36A-HNRNPH2 readthrough; plus strand). Cytogenetic location: Xq22.1.
Variant type: single nucleotide variant.
Coding change: c.639G>T on transcript NM_000169.3 (MANE Select); coding-DNA position 639, G replaced by T.
Protein change: p.Lys213Asn; replaces lysine 213 with asparagine.
Molecular consequence: missense variant. On other transcripts: non-coding transcript variant (2), intron variant (2).
Genome position (GRCh38, 1-based): chrX:101,400,666, C>A on the plus strand (G>T on the coding strand, the complement: GLA is on the minus strand). VCF-style: chrX-101400666-C-A. GRCh37 (hg19) VCF-style: chrX-100655654-C-A.
Other names: c.762G>T, p.Lys254Asn (NM_001406747.1); c.639G>T, p.Lys213Asn (NM_001406748.1); c.300+5209C>A (NM_001199973.2); c.177+8844C>A (NM_001199974.2); short protein forms K213N, K254N.
Identifiers: ClinVar variation 4974904 (VCV004974904.1).
Genomic context (GRCh38, chrX:101,400,666, plus strand): 5'-TTTGTTGTCAAGTTCTATCTATCAGTACAGTTCTATTGGATTCTGGGCTCACTATCTCAC[C>A]TTTTGAAAGGGCCACATATAAAGAGGCCACTCACAGGAGTACACAATGCTTCTGCCAGTC-3'
Protein context (NP_000160.1, residues 203-223): EWPLYMWPFQ[Lys213Asn]PNYTEIRQYC

ClinVar aggregate classification (germline): Pathogenic (1 of 4 stars; one submission).

Conditions:
Fabry disease. Also called: Fabry's disease; ALPHA-GALACTOSIDASE A DEFICIENCY; ANDERSON-FABRY DISEASE; CERAMIDE TRIHEXOSIDASE DEFICIENCY; GLA DEFICIENCY; HEREDITARY DYSTOPIC LIPIDOSIS. Identifiers: Orphanet 324, MedGen C0002986, MONDO:0010526, OMIM 301500, HP:0001071. Disease mechanism: Fabry disease is due to inactivating mutations in the X-linked GLA gene resulting in deficiency of the enzyme Alpha Galactosidase-A., loss of function.

Submission:

Genomenon, Inc
Classification: Pathogenic for Fabry disease. Last evaluated: 2026-09-08. Review status: criteria provided, single submitter. Criteria: Genomenon Sequence Variant Interpretation Standards - Updated. Collection method: curation. Allele origin: germline. Affected: yes.
Comment: GLA p.Lys213Asn (c.639G>T) is a missense variant that changes the amino acid at codon 213 from Lysine to Asparagine. This variant has been observed in at least one proband with clinical features consistent with Fabry disease (PMID:7759078). At least one splicing study has demonstrated that this variant results in aberrant splicing (PMID:7759078). It is absent or not present at a significant frequency in gnomAD. In conclusion, we classify GLA p.Lys213Asn (c.639G>T) as a pathogenic variant.

Literature cited by the submitters: PubMed 7759078.